The following is an entry in ClinVar:

ClinVar aggregate classification (germline): Conflicting classifications of pathogenicity. Review status: criteria provided, conflicting classifications (1 of 4 stars). 5 submissions from 5 submitters: Likely pathogenic (2); Uncertain significance (2). 1 of the submissions does not count toward it. Last evaluated 2026-06-08.

Conditions:
PKD1-related disorder. Also called: PKD1-related condition.
Autosomal dominant polycystic kidney disease. Identifiers: Orphanet 730, MedGen C0085413, MONDO:0004691.
Polycystic kidney disease, adult type (PKD1). Also called: Polycystic Kidney, Autosomal Dominant; Polycystic Kidney Disease 1, Autosomal Dominant; Polycystic kidney disease 1; Polycystic kidney disease 1, severe; POLYCYSTIC KIDNEY DISEASE, ADULT, TYPE I; POLYCYSTIC KIDNEY DISEASE 1 WITH OR WITHOUT POLYCYSTIC LIVER DISEASE. Identifiers: MedGen C3149841, MONDO:0008263, OMIM 173900.

Submissions (5):

Women's Health and Genetics/Laboratory Corporation of America, LabCorp
Classification: Uncertain significance. Last evaluated: 2026-06-08. Review status: criteria provided, single submitter. Criteria: LabCorp Variant Classification Summary - May 2015. Collection method: clinical testing. Allele origin: germline.
Comment: Variant summary: PKD1 c.8363C>G (p.Ser2788Trp) results in a non-conservative amino acid change in the encoded protein sequence. Algorithms developed to predict the effect of missense changes on protein structure and function are either unavailable or do not agree on the potential impact of this missense change. The variant was absent in 243376 control chromosomes. The available data on variant occurrences in the general population are insufficient to allow any conclusion about variant significance. c.8363C>G has been observed in at-least one comprehensively genotyped individual(s) reportedly affected with PKD1-related conditions, namely autosomal dominant Polycystic Kidney Disease 1 (example, Eisenberger_2015). However, as co-segregation and additional cases are not reported, this isolated occurrence does not allow any conclusion about variant significance. To our knowledge, no experimental evidence demonstrating an impact on protein function has been reported. The following publication has been ascertained in the context of this evaluation (PMID: 25646624). ClinVar contains an entry for this variant (Variation ID: 1255664). Based on the evidence outlined above, the variant was classified as uncertain significance.

PreventionGenetics, part of Exact Sciences
Classification: Likely pathogenic for PKD1-related condition. Last evaluated: 2025-05-05. Review status: criteria provided, single submitter. Criteria: ACMG Guidelines, 2015. Collection method: clinical testing. Allele origin: germline.
Comment: The PKD1 c.8363C>G variant is predicted to result in the amino acid substitution p.Ser2788Trp. This variant was reported as a “putatively” pathogenic variant in an individual with autosomal dominant polycystic kidney disease (ADPKD) (Table S6, Eisenberger et al. 2015. PubMed ID: 25646624). This variant has not been reported in a large population database (gnomAD), indicating this variant is rare. The REVEL (rare exome variant ensemble learner) program predicts this variant is pathogenic at a "moderate" level (Ioannidis et al. 2016. PubMed ID: 27666373; Bergquist et al. 2024. PubMed ID: 39345488). Of note, rare substitutions at the flanking codons have also been reported in individuals with PKD, indicating this region is functionally important (see for example, p.Lys2786Glu in Table S3, Hwang et al. 2016. PubMed ID: 26453610 and Table S1, Kimura et al. 2023. PubMed ID: 37509056; p.Arg2787Gly in Supplementary Table 1, Yu et al. 2022. PubMed ID: 35778421; p.Pro2790Leu in Table S5, Carrera et al. 2016. PubMed ID: 27499327). The c.8363C>G (p.Ser2788Trp) variant is documented as likely pathogenic in an ADPKD variant database. Taken together, this variant is interpreted as likely pathogenic.

Fulgent Genetics
Classification: Uncertain significance for Polycystic kidney disease, adult type. Last evaluated: 2024-03-08. Review status: criteria provided, single submitter. Criteria: ACMG Guidelines, 2015. Collection method: clinical testing. Allele origin: germline.

Blueprint Genetics
Classification: Likely pathogenic for PKD1-related disorders. Last evaluated: 2022-06-08. Review status: criteria provided, single submitter. Criteria: ACMG Guidelines, 2015. Collection method: clinical testing. Allele origin: germline. Affected: yes. Observed: 2 variant alleles.

Laboratory of Gastroenterology and Hepatology, Radboud University Medical Center
Classification: Likely pathogenic for Autosomal dominant polycystic kidney disease. Last evaluated: 2021-09-01. Review status: no assertion criteria provided. Collection method: research. Allele origin: germline. Affected: yes. Not counted in ClinVar's aggregate classification.

Literature cited by the submitters: PubMed 25646624 (cited by Women's Health and Genetics/Laboratory Corporation of America, LabCorp).

NM_001009944.3(PKD1):c.8363C>G (p.Ser2788Trp)

Gene: PKD1 (polycystin 1, transient receptor potential channel interacting; minus strand). Cytogenetic location: 16p13.3.
Variant type: single nucleotide variant.
Coding change: c.8363C>G on transcript NM_001009944.3 (MANE Select); coding-DNA position 8363, C replaced by G.
Protein change: p.Ser2788Trp; replaces serine 2788 with tryptophan.
Molecular consequence: missense variant.
Genome position (GRCh38, 1-based): chr16:2,103,694, G>C on the plus strand (C>G on the coding strand, the complement: PKD1 is on the minus strand). VCF-style: chr16-2103694-G-C. GRCh37 (hg19) VCF-style: chr16-2153695-G-C.
Other names: c.8363C>G, p.Ser2788Trp (NM_000296.4); c.8363C>G (NM_001009944.2); short protein forms S2788W.
Identifiers: ClinVar variation 1255664 (VCV001255664.7), dbSNP rs761060813, ClinGen allele CA394364397.